The following is an entry in ClinVar:

ClinVar aggregate classification (germline): Likely benign. Review status: criteria provided, multiple submitters, no conflicts (2 of 4 stars). 3 submissions from 3 submitters: Likely benign (2). 1 of the submissions does not count toward it. Last evaluated 2024-03-07.

Conditions:
CC2D1A-related disorder. Also called: CC2D1A-related condition.

Allele frequency attached by ClinVar (database versions not stated): ExAC 0.00003; gnomAD exomes 0.00003; ESP Exome Variant Server 0.00008; TOPMed 0.00065; 1000 Genomes Project 0.00120.

Submissions (3):

Labcorp Genetics (formerly Invitae), Labcorp
Classification: Likely benign. Last evaluated: 2024-03-07. Review status: criteria provided, single submitter. Criteria: Invitae Variant Classification Sherloc (09022015). Collection method: clinical testing. Allele origin: germline.

Blueprint Genetics
Classification: Likely benign. Last evaluated: 2024-02-09. Review status: criteria provided, single submitter. Criteria: ACMG Guidelines, 2015. Collection method: clinical testing. Allele origin: germline.

PreventionGenetics, part of Exact Sciences
Classification: Likely benign for CC2D1A-related condition. Last evaluated: 2019-06-12. Review status: no assertion criteria provided. Collection method: clinical testing. Allele origin: germline. Not counted in ClinVar's aggregate classification.
Comment: This variant is classified as likely benign based on ACMG/AMP sequence variant interpretation guidelines (Richards et al. 2015 PMID: 25741868, with internal and published modifications).

NM_017721.5(CC2D1A):c.1222+9T>C

Gene: CC2D1A (coiled-coil and C2 domain containing 1A; plus strand). Cytogenetic location: 19p13.12.
Variant type: single nucleotide variant.
Coding change: c.1222+9T>C on transcript NM_017721.5 (MANE Select); 9 bases into the intron after coding-DNA position 1222, T replaced by C.
Molecular consequence: intron variant.
Genome position (GRCh38, 1-based): chr19:13,919,211, T>C. VCF-style: chr19-13919211-T-C. GRCh37 (hg19) VCF-style: chr19-14030024-T-C.
Other names: c.1222+9T>C (NM_001411138.1, NM_017721.4).
Identifiers: ClinVar variation 2719895 (VCV002719895.6), dbSNP rs371243328, ClinGen allele CA9244581.